The following is an entry in ClinVar:

ClinVar aggregate classification (germline): Uncertain significance. Review status: reviewed by expert panel (3 of 4 stars). 12 submissions from 11 submitters: Uncertain significance (1). 11 of the submissions do not count toward it. Last evaluated 2025-08-01.

Conditions:
Central core myopathy (CMYO1A). Also called: CONGENITAL MYOPATHY 1A, AUTOSOMAL DOMINANT, WITH SUSCEPTIBILITY TO MALIGNANT HYPERTHERMIA; Central core disease; Myopathy, central fibrillar. Identifiers: Orphanet 597, MedGen C5830701, MONDO:0007294, OMIM 117000.
Congenital multicore myopathy with external ophthalmoplegia (CMYO1B). Also called: MULTICORE MYOPATHY; Minicore myopathy with external ophthalmoplegia; Congenital myopathy 1B, autosomal recessive; Minicore myopathy; MULTIMINICORE DISEASE WITH EXTERNAL OPHTHALMOPLEGIA. Identifiers: Orphanet 598, Orphanet 98905, MedGen C1850674, MONDO:0009712, OMIM 255320, HP:0003789.
King Denborough syndrome (KDS). Identifiers: MedGen C1840365, MONDO:0020485, OMIM 619542.
Malignant hyperthermia, susceptibility to, 1 (MHS1). Also called: RYR1-Related Malignant Hyperthermia Susceptibility; Anesthesia related hyperthermia; Malignant hyperpyrexia; Fulminating hyperpyrexia; Pharmacogenic myopathy; Malignant hyperthermia suceptibility 1. Identifiers: Orphanet 423, MedGen C2930980, MONDO:0007783, OMIM 145600.
RYR1-related disorder. Also called: RYR1-related disorders; RYR1-related condition. Identifiers: MedGen CN239331.
Malignant hyperthermia of anesthesia. Also called: Anesthesic-triggered malignant hyperthermia. Identifiers: Orphanet 423, MedGen C0024591, MONDO:0018493, HP:0034733.

Allele frequency attached by ClinVar (database versions not stated): gnomAD 0.00006; gnomAD exomes 0.00009 and 0.00024; TOPMed 0.00011; ExAC 0.00018.
gnomAD v4.1: 161 of 1,611,670 alleles (0.01%); highest among the groups gnomAD compares: Middle Eastern, 0.045%; 1 homozygote.

Submissions (12):

ClinGen Malignant Hyperthermia Susceptibility Variant Curation Expert Panel, ClinGen
Classification: Uncertain significance for Malignant hyperthermia of anesthesia. Last evaluated: 2025-08-01. Review status: reviewed by expert panel. Criteria: ClinGen MHS ACMG Specifications V2. Collection method: curation. Allele origin: germline. Inheritance: Autosomal dominant inheritance.
Comment: This pathogenicity assessment is relevant only for malignant hyperthermia susceptibility (MHS) inherited in an autosomal dominant pattern. Variants in RYR1 can also cause other myopathies inherited in an autosomal dominant pattern or in an autosomal recessive pattern. Some of these disorders may predispose individuals to malignant hyperthermia. RYR1 variants may also contribute to a malignant hyperthermia reaction in combination with other genetic and non-genetic factors and the clinician needs to consider such factors in making management decisions. This sequence variant predicts a substitution of methionine with lysine at codon 2101 of the RYR1 protein, p.(Met2101Lys). The maximum minor allele frequency (MAF) for this variant among the six major gnomAD populations is NFE: 0.000087, a frequency consistent with pathogenicity for MHS. However, the MAF in the Ashkenazi Jewish population is 0.0047 which is considered to be too common for a pathogenic variant causing autosomal dominantly inherited MHS. This variant has been reported in three unrelated individuals who have a personal or family history of a malignant hyperthermia reaction; all of these individuals had a positive in vitro contracture test (IVCT) or caffeine halothane contracture test (CHCT) result (if the proband was unavailable for testing, a positive diagnostic test result in a mutation-positive relative was counted). One of these individuals had a second variant of uncertain significance in RYR1 (p.Arg1469Trp, VUS) (PMID:20681998, PMID:25735680, PMID:30236257). The high MAF in the Ashkenazi Jewish population precludes implementing PS4. No functional studies were identified for this variant. This variant resides in a region of RYR1 considered to be a hotspot for pathogenic variants that contribute to MHS, PM1 (PMID: 21118704). A REVEL score <0.5 (0.392) supports a benign status for this variant, BP4. This variant has been classified as a Variant of Unknown Significance. Criteria implemented: PM1, BP4.

GeneDx
Classification: Uncertain significance. Last evaluated: 2026-09-06. Review status: criteria provided, single submitter. Criteria: GeneDx Variant Classification Process June 2021. Collection method: clinical testing. Allele origin: germline. Not counted in ClinVar's aggregate classification.
Comment: Identified in individuals with malignant hyperthermia in published literature, although these patients either harbored other RYR1 variants or functional characterization of the variant was not completed (PMID: 25735680, 12709367, 30236257, 41753076); In silico analysis suggests that this missense variant does not alter protein structure/function; This variant is associated with the following publications: (PMID: 37937776, 12709367, 20681998, 25735680, 30236257, 12668474, 33767344, 41753076)

PreventionGenetics, part of Exact Sciences
Classification: Uncertain significance for RYR1-related condition. Last evaluated: 2026-07-17. Review status: criteria provided, single submitter. Criteria: ACMG Guidelines, 2015. Collection method: clinical testing. Allele origin: germline. Not counted in ClinVar's aggregate classification.
Comment: The RYR1 c.6302T>A variant is predicted to result in the amino acid substitution p.Met2101Lys. This variant has been reported in individuals with malignant hyperthermia (Tammaro et al. 2011. PubMed ID: 20681998; Gillies et al. 2015. PubMed ID: 25735680; Table S1, Miller et al. 2018. PubMed ID: 30236257). This variant is reported in 0.47% of alleles in individuals of Ashkenazi Jewish descent in gnomAD. This variant is interpreted as uncertain significance by ClinGen Malignant Hyperthermia Susceptibility Variant Curation Expert Panel. Although we suspect that this variant may be benign, at this time, the clinical significance of this variant is uncertain due to the absence of conclusive functional and genetic evidence.

Labcorp Genetics (formerly Invitae), Labcorp
Classification: Likely benign for RYR1-related disorder. Last evaluated: 2026-01-22. Review status: criteria provided, single submitter. Criteria: Invitae Variant Classification Sherloc (09022015). Collection method: clinical testing. Allele origin: germline. Not counted in ClinVar's aggregate classification.

Revvity Omics, Revvity
Classification: Uncertain significance. Last evaluated: 2025-08-07. Review status: criteria provided, single submitter. Criteria: ACMG Guidelines, 2015. Collection method: clinical testing. Allele origin: germline. Not counted in ClinVar's aggregate classification.

Blueprint Genetics
Classification: Likely benign. Last evaluated: 2024-05-29. Review status: criteria provided, single submitter. Criteria: ACMG Guidelines, 2015. Collection method: clinical testing. Allele origin: germline. Not counted in ClinVar's aggregate classification.

Women's Health and Genetics/Laboratory Corporation of America, LabCorp
Classification: Uncertain significance. Last evaluated: 2023-12-05. Review status: criteria provided, single submitter. Criteria: LabCorp Variant Classification Summary - May 2015. Collection method: clinical testing. Allele origin: germline. Not counted in ClinVar's aggregate classification.
Comment: Variant summary: RYR1 c.6302T>A (p.Met2101Lys) results in a non-conservative amino acid change located in the Ryanodine receptor, junctional solenoid domain (IPR048581) of the encoded protein sequence. Three of five in-silico tools predict a damaging effect of the variant on protein function. The variant allele was found at a frequency of 0.00024 in 247564 control chromosomes (gnomAD). c.6302T>A has been reported in the literature in individuals affected with malignant hyperthermia susceptibility (examples: Tammaro_2003, Tammaro_2011, Gillies_2015, Miller_2018). These report(s) do not provide unequivocal conclusions about association of the variant with Myopathy, RYR1-Associated. To our knowledge, no experimental evidence demonstrating an impact on protein function has been reported. The following publications have been ascertained in the context of this evaluation (PMID: 25735680, 30236257, 12709367, 20681998). Seven submitters including ClinGen Malignant Hyperthermia Susceptibility Variant Curation Expert Panel, have cited clinical-significance assessments for this variant to ClinVar after 2014 and classified the variant as VUS (n=6, includes the expert panel) and likely benign (n=1). Based on the evidence outlined above, the variant was classified as uncertain significance.

Color Diagnostics, LLC DBA Color Health
Classification: Likely benign for Malignant hyperthermia, susceptibility to, 1. Last evaluated: 2023-03-21. Review status: criteria provided, single submitter. Criteria: ACMG Guidelines, 2015. Collection method: clinical testing. Allele origin: germline. Not counted in ClinVar's aggregate classification.

CeGaT Center for Human Genetics Tuebingen
Classification: Uncertain significance. Last evaluated: 2023-01-01. Review status: criteria provided, single submitter. Criteria: CeGaT Center For Human Genetics Tuebingen Variant Classification Criteria Version 2. Collection method: clinical testing. Allele origin: germline. Affected: yes. Observed: 1 variant allele. Not counted in ClinVar's aggregate classification.

Department of Pathology and Laboratory Medicine, Sinai Health System
Classification: Uncertain significance for Central core myopathy; Malignant hyperthermia, susceptibility to, 1; Congenital multicore myopathy with external ophthalmoplegia; King Denborough syndrome. Last evaluated: 2022-02-04. Review status: criteria provided, single submitter. Criteria: ACMG Guidelines, 2015. Collection method: research. Allele origin: germline. Not counted in ClinVar's aggregate classification.

Illumina Laboratory Services, Illumina
Classification: Uncertain significance for Malignant hyperthermia, susceptibility to, 1. Last evaluated: 2017-04-28. Review status: criteria provided, single submitter. Criteria: ICSL Variant Classification Criteria 13 December 2019. Collection method: clinical testing. Allele origin: germline. Not counted in ClinVar's aggregate classification.

Illumina Laboratory Services, Illumina
Classification: Uncertain significance for Congenital multicore myopathy with external ophthalmoplegia. Last evaluated: 2017-04-28. Review status: criteria provided, single submitter. Criteria: ICSL Variant Classification Criteria 13 December 2019. Collection method: clinical testing. Allele origin: germline. Not counted in ClinVar's aggregate classification.

Literature cited by the submitters: PubMed 30236257 (cited by Women's Health and Genetics/Laboratory Corporation of America, LabCorp); PubMed 25735680 (cited by Women's Health and Genetics/Laboratory Corporation of America, LabCorp); PubMed 20681998 (cited by Women's Health and Genetics/Laboratory Corporation of America, LabCorp); PubMed 12709367 (cited by Women's Health and Genetics/Laboratory Corporation of America, LabCorp).

NM_000540.3(RYR1):c.6302T>A (p.Met2101Lys)

Gene: RYR1 (ryanodine receptor 1; plus strand). Cytogenetic location: 19q13.2.
Variant type: single nucleotide variant.
Coding change: c.6302T>A on transcript NM_000540.3 (MANE Select); coding-DNA position 6302, T replaced by A.
Protein change: p.Met2101Lys; replaces methionine 2101 with lysine.
Molecular consequence: missense variant.
Genome position (GRCh38, 1-based): chr19:38,494,379, T>A. VCF-style: chr19-38494379-T-A. GRCh37 (hg19) VCF-style: chr19-38985019-T-A.
Other names: NM_000540.2(RYR1):c.6302T>A; p.Met2101Lys; c.6302T>A, p.Met2101Lys (NM_001042723.2); short protein forms M2101K.
Identifiers: ClinVar variation 544517 (VCV000544517.56), dbSNP rs746818096, ClinGen allele CA068024.